The following is an entry in ClinVar:

NM_006231.4(POLE):c.5407del (p.Trp1802_Val1803insTer)

Gene: POLE (DNA polymerase epsilon, catalytic subunit; minus strand). Cytogenetic location: 12q24.33.
Variant type: Deletion.
Coding change: c.5407del on transcript NM_006231.4 (MANE Select); coding-DNA position 5407, one base deleted (G; older notation c.5407delG).
Protein change: p.Trp1802_Val1803insTer.
Molecular consequence: nonsense.
Genome position (GRCh38, 1-based): chr12:132,639,270, C deleted on the plus strand (G on the coding strand, the reverse complement: POLE is on the minus strand); the first of 3 consecutive C bases (chr12:132,639,270-132,639,272); deleting any one gives the same sequence. VCF-style (leftmost placement, unchanged base first): chr12-132639269-AC-A. GRCh37 (hg19) VCF-style: chr12-133215855-AC-A.
Identifiers: ClinVar variation 4671411 (VCV004671411.1).

ClinVar aggregate classification (germline): Uncertain significance (1 of 4 stars; one submission).

Conditions:
Hereditary cancer-predisposing syndrome. Also called: Neoplastic Syndromes, Hereditary; Tumor predisposition; Hereditary Cancer Syndrome; Hereditary neoplastic syndrome. Identifiers: Orphanet 140162, MedGen C0027672, MeSH D009386, MONDO:0015356.

Submission:

Ambry Genetics
Classification: Uncertain significance for Hereditary cancer-predisposing syndrome. Last evaluated: 2025-09-24. Review status: criteria provided, single submitter. Criteria: Ambry Variant Classification Scheme 2023. Collection method: clinical testing. Allele origin: germline.
Comment: The c.5407delG variant, located in coding exon 40 of the POLE gene, results from a deletion of one nucleotide at nucleotide position 5407, causing a translational frameshift with a predicted alternate stop codon (p.V1803*). This alteration is expected to result in loss of function by premature protein truncation or nonsense-mediated mRNA decay. Although biallelic loss of function of POLE has been associated with autosomal recessive POLE deficiency, haploinsufficiency of POLE has not been established as a mechanism of disease for POLE-related polymerase proofreading-associated polyposis (PPAP) and POLE-related CMMRD-like syndrome. Based on the supporting evidence, this variant is expected to be causative of POLE deficiency when present along with a second pathogenic variant on the other allele; however, its clinical significance for PPAP and POLE-related CMMRD-like syndrome is unclear.